The following is an entry in ClinVar:

ClinVar aggregate classification (germline): Uncertain significance. Review status: criteria provided, multiple submitters, no conflicts (2 of 4 stars). 2 submissions from 2 submitters: Uncertain significance (2). Last evaluated 2025-08-15.

Allele frequency attached by ClinVar (database versions not stated): gnomAD 0.00010; ExAC 0.00013.
gnomAD v4.1: 172 of 1,566,808 alleles (0.011%); highest among the groups gnomAD compares: Middle Eastern, 0.052%; no homozygotes.

Submissions (2):

Labcorp Genetics (formerly Invitae), Labcorp
Classification: Uncertain significance. Last evaluated: 2025-08-15. Review status: criteria provided, single submitter. Criteria: Invitae Variant Classification Sherloc (09022015). Collection method: clinical testing. Allele origin: germline.
Comment: This sequence change replaces arginine, which is basic and polar, with glutamine, which is neutral and polar, at codon 4 of the DLST protein (p.Arg4Gln). The frequency data for this variant in the population databases is considered unreliable, as metrics indicate poor data quality at this position in the gnomAD database. This variant has not been reported in the literature in individuals affected with DLST-related conditions. ClinVar contains an entry for this variant (Variation ID: 2644373). Experimental studies and prediction algorithms are not available or were not evaluated, and the functional significance of this variant is currently unknown. In summary, the available evidence is currently insufficient to determine the role of this variant in disease. Therefore, it has been classified as a Variant of Uncertain Significance.

CeGaT Center for Human Genetics Tuebingen
Classification: Uncertain significance. Last evaluated: 2022-07-01. Review status: criteria provided, single submitter. Criteria: CeGaT Center For Human Genetics Tuebingen Variant Classification Criteria Version 2. Collection method: clinical testing. Allele origin: germline. Affected: yes. Observed: 1 variant allele.

NM_001933.5(DLST):c.11G>A (p.Arg4Gln)

Gene: DLST (dihydrolipoamide S-succinyltransferase; plus strand). Cytogenetic location: 14q24.3.
Variant type: single nucleotide variant.
Coding change: c.11G>A on transcript NM_001933.5 (MANE Select); coding-DNA position 11, G replaced by A.
Protein change: p.Arg4Gln; replaces arginine 4 with glutamine.
Molecular consequence: missense variant. On other transcripts: non-coding transcript variant (2).
Genome position (GRCh38, 1-based): chr14:74,881,964, G>A. VCF-style: chr14-74881964-G-A. GRCh37 (hg19) VCF-style: chr14-75348667-G-A.
Other names: c.11G>A, p.Arg4Gln (NM_001244883.2); short protein forms R4Q.
Identifiers: ClinVar variation 2644373 (VCV002644373.25), dbSNP rs774943636, ClinGen allele CA7273252.